The following is an entry in ClinVar:

NM_020964.3(EPG5):c.6562A>G (p.Met2188Val)

Gene: EPG5 (ectopic P-granules 5 autophagy tethering factor; minus strand). Cytogenetic location: 18q12.3.
Variant type: single nucleotide variant.
Coding change: c.6562A>G on transcript NM_020964.3 (MANE Select); coding-DNA position 6562, A replaced by G.
Protein change: p.Met2188Val; replaces methionine 2188 with valine.
Molecular consequence: missense variant.
Genome position (GRCh38, 1-based): chr18:45,866,857, T>C on the plus strand (A>G on the coding strand, the complement: EPG5 is on the minus strand). VCF-style: chr18-45866857-T-C. GRCh37 (hg19) VCF-style: chr18-43446822-T-C.
Other names: c.6562A>G, p.Met2188Val (NM_001410858.1); c.6559A>G, p.Met2187Val (NM_001410859.1); short protein forms M2187V, M2188V.
Identifiers: ClinVar variation 4811329 (VCV004811329.1).

ClinVar aggregate classification (germline): Uncertain significance (1 of 4 stars; one submission).

Conditions:
Vici syndrome (VICIS). Identifiers: Orphanet 1493, MedGen C1855772, MONDO:0009452, OMIM 242840.

gnomAD v4.1: 1 of 1,614,186 alleles (0.000062%); highest among the groups gnomAD compares: African/African-American, 0.0013%; no homozygotes.

Submission:

Labcorp Genetics (formerly Invitae), Labcorp
Classification: Uncertain significance for Vici syndrome. Last evaluated: 2025-03-18. Review status: criteria provided, single submitter. Criteria: Invitae Variant Classification Sherloc (09022015). Collection method: clinical testing. Allele origin: germline.
Comment: This sequence change replaces methionine, which is neutral and non-polar, with valine, which is neutral and non-polar, at codon 2188 of the EPG5 protein (p.Met2188Val). This variant is not present in population databases (gnomAD no frequency). This variant has not been reported in the literature in individuals affected with EPG5-related conditions. Invitae Evidence Modeling of protein sequence and biophysical properties (such as structural, functional, and spatial information, amino acid conservation, physicochemical variation, residue mobility, and thermodynamic stability) indicates that this missense variant is not expected to disrupt EPG5 protein function with a negative predictive value of 80%. In summary, the available evidence is currently insufficient to determine the role of this variant in disease. Therefore, it has been classified as a Variant of Uncertain Significance.